The following is an entry in ClinVar:

ClinVar aggregate classification (germline): Uncertain significance. Review status: criteria provided, multiple submitters, no conflicts (2 of 4 stars). 2 submissions from 2 submitters: Uncertain significance (2). Last evaluated 2026-03-23.

Conditions:
Peroxisome biogenesis disorder, complementation group 7 (CG7). Also called: Peroxisome biogenesis disorder, complementation group B. Identifiers: MedGen C1864399.
PEX10-related disorder. Also called: PEX10-related condition.

Allele frequency attached by ClinVar (database versions not stated): gnomAD exomes 0.00003; ExAC 0.00006; TOPMed 0.00006; gnomAD 0.00010; ESP Exome Variant Server 0.00015; 1000 Genomes Project 0.00020; 1000 Genomes Project 30x 0.00047.

Submissions (2):

PreventionGenetics, part of Exact Sciences
Classification: Uncertain significance for PEX10-related condition. Last evaluated: 2026-03-23. Review status: criteria provided, single submitter. Criteria: ACMG Guidelines, 2015. Collection method: clinical testing. Allele origin: germline.
Comment: The PEX10 c.859G>A variant is predicted to result in the amino acid substitution p.Val287Ile. To our knowledge, this variant has not been reported in the literature. This variant is reported in 0.020% of alleles in individuals of East Asian descent in gnomAD. At this time, the clinical significance of this variant is uncertain due to the absence of conclusive functional and genetic evidence.

Labcorp Genetics (formerly Invitae), Labcorp
Classification: Uncertain significance for Peroxisome biogenesis disorder, complementation group 7. Last evaluated: 2022-10-25. Review status: criteria provided, single submitter. Criteria: Invitae Variant Classification Sherloc (09022015). Collection method: clinical testing. Allele origin: germline.
Comment: This sequence change replaces valine, which is neutral and non-polar, with isoleucine, which is neutral and non-polar, at codon 287 of the PEX10 protein (p.Val287Ile). This variant is present in population databases (rs201639783, gnomAD 0.03%). This variant has not been reported in the literature in individuals affected with PEX10-related conditions. Algorithms developed to predict the effect of missense changes on protein structure and function output the following: SIFT: "Tolerated"; PolyPhen-2: "Benign"; Align-GVGD: "Class C0". The isoleucine amino acid residue is found in multiple mammalian species, which suggests that this missense change does not adversely affect protein function. In summary, the available evidence is currently insufficient to determine the role of this variant in disease. Therefore, it has been classified as a Variant of Uncertain Significance.

NM_002617.4(PEX10):c.799G>A (p.Val267Ile)

Gene: PEX10 (peroxisomal biogenesis factor 10; minus strand). Cytogenetic location: 1p36.32.
Variant type: single nucleotide variant.
Coding change: c.799G>A on transcript NM_002617.4 (MANE Select); coding-DNA position 799, G replaced by A.
Protein change: p.Val267Ile; replaces valine 267 with isoleucine.
Molecular consequence: missense variant. On other transcripts: non-coding transcript variant (1).
Genome position (GRCh38, 1-based): chr1:2,406,597, C>T on the plus strand (G>A on the coding strand, the complement: PEX10 is on the minus strand). VCF-style: chr1-2406597-C-T. GRCh37 (hg19) VCF-style: chr1-2338036-C-T.
Other names: c.859G>A (NM_153818.1); c.856G>A, p.Val286Ile (NM_001374425.1); c.424G>A, p.Val142Ile (NM_001374426.1); c.367G>A, p.Val123Ile (NM_001374427.1); c.859G>A, p.Val287Ile (NM_153818.2); short protein forms V142I, V123I, V267I, V286I, V287I.
Identifiers: ClinVar variation 2153248 (VCV002153248.2), dbSNP rs201639783, ClinGen allele CA538009.